The following is an entry in ClinVar:

NM_213649.2(SFXN4):c.772G>A (p.Gly258Arg)

Gene: SFXN4 (sideroflexin 4; minus strand). Cytogenetic location: 10q26.11.
Variant type: single nucleotide variant.
Coding change: c.772G>A on transcript NM_213649.2 (MANE Select); coding-DNA position 772, G replaced by A.
Protein change: p.Gly258Arg; replaces glycine 258 with arginine.
Molecular consequence: missense variant. On other transcripts: non-coding transcript variant (1).
Genome position (GRCh38, 1-based): chr10:119,147,821, C>T on the plus strand (G>A on the coding strand, the complement: SFXN4 is on the minus strand). VCF-style: chr10-119147821-C-T. GRCh37 (hg19) VCF-style: chr10-120907333-C-T.
Other names: short protein forms G258R.
Identifiers: ClinVar variation 4282148 (VCV004282148.1).
Genomic context (GRCh38, chr10:119,147,821, plus strand): 5'-ACCGTGTCTCTTACCTTTTAAAAAAGTAGGTGAAGACTTCAGGAATCAGAGCTGAGGTCC[C>T]AAACAGCACTATTCTGGATGCTAGCGTTTCTCTAACAGCCTAGCAAAAATGAAAAGAAAA-3'
Protein context (NP_998814.1, residues 248-268): ETLASRIVLF[Gly258Arg]TSALIPEVFT

ClinVar aggregate classification (germline): Uncertain significance (1 of 4 stars; one submission).

gnomAD v4.1: 10 of 1,614,136 alleles (0.00062%); highest among the groups gnomAD compares: Non-Finnish European, 0.00085%; no homozygotes.

Submission:

GeneDx
Classification: Uncertain significance. Last evaluated: 2025-04-15. Review status: criteria provided, single submitter. Criteria: GeneDx Variant Classification Process June 2021. Collection method: clinical testing. Allele origin: germline. Affected: yes.
Comment: Not observed at significant frequency in large population cohorts (gnomAD); In silico analysis supports that this missense variant has a deleterious effect on protein structure/function; Has not been previously published as pathogenic or benign to our knowledge